The following is an entry in ClinVar:

ClinVar aggregate classification (germline): Uncertain significance. Review status: criteria provided, multiple submitters, no conflicts (2 of 4 stars). 4 submissions from 4 submitters: Uncertain significance (4). Last evaluated 2025-07-14.

Conditions:
Long QT syndrome 5 (LQT5). Identifiers: Orphanet 101016, Orphanet 768, MedGen C1867904, MONDO:0013372, OMIM 613695.
Jervell and Lange-Nielsen syndrome 2 (JLNS2). Identifiers: Orphanet 768, Orphanet 90647, MedGen C2676723, MONDO:0012871, OMIM 612347.
Cardiovascular phenotype. Identifiers: MedGen CN230736.
Long QT syndrome (LQTS). Identifiers: MedGen C0023976, MeSH D008133, MONDO:0002442. Disease mechanism: loss of function. Inheritance: Various modes of inheritance.

Allele frequency attached by ClinVar (database versions not stated): ExAC 0.00001; gnomAD exomes 0.00001.

Submissions (5):

Ambry Genetics
Classification: Uncertain significance for Cardiovascular phenotype. Last evaluated: 2025-07-14. Review status: criteria provided, single submitter. Criteria: Ambry Variant Classification Scheme 2023. Collection method: clinical testing. Allele origin: germline.
Comment: The p.G60D variant (also known as c.179G>A), located in coding exon 1 of the KCNE1 gene, results from a G to A substitution at nucleotide position 179. The glycine at codon 60 is replaced by aspartic acid, an amino acid with similar properties. This variant was reported in a case report of an individual with atrial fibrillation (Olesen MS et al. BMC Med Genet, 2012 Apr;13:24). In multiple assays testing KCNE1 function, this variant showed functionally abnormal results (Olesen MS et al. BMC Med Genet, 2012 Apr;13:24; Muhammad A et al. Genome Med, 2024 May;16:73). This amino acid position is highly conserved in available vertebrate species. In addition, this alteration is predicted to be deleterious by in silico analysis. Based on the available evidence, the clinical significance of this variant remains unclear.

Labcorp Genetics (formerly Invitae), Labcorp
Classification: Uncertain significance for Long QT syndrome. Last evaluated: 2023-05-18. Review status: criteria provided, single submitter. Criteria: Invitae Variant Classification Sherloc (09022015). Collection method: clinical testing. Allele origin: germline.
Comment: In summary, the available evidence is currently insufficient to determine the role of this variant in disease. Therefore, it has been classified as a Variant of Uncertain Significance. This missense change has been observed in individual(s) with KCNE1-related disease (PMID: 22471742, 24606995; Invitae). This sequence change replaces glycine, which is neutral and non-polar, with aspartic acid, which is acidic and polar, at codon 60 of the KCNE1 protein (p.Gly60Asp). This variant is present in population databases (rs758961135, gnomAD 0.002%). ClinVar contains an entry for this variant (Variation ID: 854638). Advanced modeling of protein sequence and biophysical properties (such as structural, functional, and spatial information, amino acid conservation, physicochemical variation, residue mobility, and thermodynamic stability) performed at Invitae indicates that this missense variant is expected to disrupt KCNE1 protein function. Experimental studies have shown that this missense change affects KCNE1 function (PMID: 22471742).

AiLife Diagnostics
Classification: Uncertain significance. Last evaluated: 2021-12-27. Review status: criteria provided, single submitter. Criteria: ACMG Guidelines, 2015. Collection method: clinical testing. Allele origin: germline. Affected: yes. Observed: 1 variant allele.

Human Genome Sequencing Center Clinical Lab, Baylor College of Medicine
Classification: Uncertain significance for Long QT syndrome 5; Jervell and Lange-Nielsen syndrome 2. Review status: criteria provided, single submitter. Criteria: ACMG Guidelines, 2015. Collection method: clinical testing. Allele origin: germline.

Roden Lab, Vanderbilt University Medical Center
No classification provided (evidence only). Condition: Long QT syndrome 5. Review status: no classification provided. Collection method: in vitro. Allele origin: not applicable. Functional consequence: Effect on ion channel function. Not counted in ClinVar's aggregate classification.
ClinVar note: "not provided" was previously submitted as the classification for the variant. However, the classification appeared to be based only on an observation of functional data so it was converted to no classification on 2025-07-30.

Literature cited by the submitters: PubMed 22471742 (cited by 3 submitters); PubMed 38816749 (cited by Ambry Genetics); PubMed 24606995 (cited by Labcorp Genetics (formerly Invitae), Labcorp); PubMed 32164657 (cited by AiLife Diagnostics).

NM_000219.6(KCNE1):c.179G>A (p.Gly60Asp)

Gene: KCNE1 (potassium voltage-gated channel subfamily E regulatory subunit 1; minus strand). Cytogenetic location: 21q22.12.
Variant type: single nucleotide variant.
Coding change: c.179G>A on transcript NM_000219.6 (MANE Select); coding-DNA position 179, G replaced by A.
Protein change: p.Gly60Asp; replaces glycine 60 with aspartic acid.
Molecular consequence: missense variant.
Genome position (GRCh38, 1-based): chr21:34,449,456, C>T on the plus strand (G>A on the coding strand, the complement: KCNE1 is on the minus strand). VCF-style: chr21-34449456-C-T. GRCh37 (hg19) VCF-style: chr21-35821754-C-T.
Other names: c.179G>A (NM_000219.3); c.179G>A, p.Gly60Asp (NM_001127668.4, NM_001127669.4, NM_001127670.4 and 4 more transcripts); short protein forms G60D.
Identifiers: ClinVar variation 854638 (VCV000854638.14), dbSNP rs758961135, ClinGen allele CA320425340.